The following is an entry in ClinVar:

ClinVar aggregate classification (germline): Uncertain significance. Review status: criteria provided, multiple submitters, no conflicts (2 of 4 stars). 3 submissions from 3 submitters: Uncertain significance (2). 1 of the submissions does not count toward it. Last evaluated 2025-04-07.

Conditions:
Fanconi anemia (FA). Also called: Fanconi's anemia. Identifiers: Orphanet 84, MedGen C0015625, MeSH D005199, MONDO:0019391.
Inborn genetic diseases. Identifiers: MedGen C0950123, MeSH D030342.

Allele frequency attached by ClinVar (database versions not stated): gnomAD 0.00001.
gnomAD v4.1: 1 of 1,614,082 alleles (0.000062%); highest among the groups gnomAD compares: African/African-American, 0.0013%; no homozygotes.

Submissions (3):

Ambry Genetics
Classification: Uncertain significance for Inborn genetic diseases. Last evaluated: 2025-04-07. Review status: criteria provided, single submitter. Criteria: Ambry Variant Classification Scheme 2023. Collection method: clinical testing. Allele origin: germline.
Comment: The p.Q1307E variant (also known as c.3919C>G), located in coding exon 39 of the FANCA gene, results from a C to G substitution at nucleotide position 3919. The glutamine at codon 1307 is replaced by glutamic acid, an amino acid with highly similar properties. This amino acid position is conserved. In addition, this alteration is predicted to be tolerated by in silico analysis. Based on the available evidence, the clinical significance of this variant remains unclear.

Labcorp Genetics (formerly Invitae), Labcorp
Classification: Uncertain significance for Fanconi anemia. Last evaluated: 2022-09-19. Review status: criteria provided, single submitter. Criteria: Invitae Variant Classification Sherloc (09022015). Collection method: clinical testing. Allele origin: germline.
Comment: In summary, the available evidence is currently insufficient to determine the role of this variant in disease. Therefore, it has been classified as a Variant of Uncertain Significance. Advanced modeling of protein sequence and biophysical properties (such as structural, functional, and spatial information, amino acid conservation, physicochemical variation, residue mobility, and thermodynamic stability) performed at Invitae indicates that this missense variant is not expected to disrupt FANCA protein function. This variant has not been reported in the literature in individuals affected with FANCA-related conditions. This variant is not present in population databases (gnomAD no frequency). This sequence change replaces glutamine, which is neutral and polar, with glutamic acid, which is acidic and polar, at codon 1307 of the FANCA protein (p.Gln1307Glu).

Natera, Inc.
Classification: Uncertain significance for Fanconi anemia. Last evaluated: 2025-03-17. Review status: no assertion criteria provided. Collection method: clinical testing. Allele origin: germline. Not counted in ClinVar's aggregate classification.

NM_000135.4(FANCA):c.3919C>G (p.Gln1307Glu)

Genes: FANCA (FA complementation group A; minus strand), ZNF276 (zinc finger protein 276; plus strand). Cytogenetic location: 16q24.3.
Variant type: single nucleotide variant.
Coding change: c.3919C>G on transcript NM_000135.4 (MANE Select); coding-DNA position 3919, C replaced by G.
Protein change: p.Gln1307Glu; replaces glutamine 1307 with glutamic acid.
Molecular consequence: missense variant. On other transcripts: 3 prime UTR variant (2), non-coding transcript variant (4).
Genome position (GRCh38, 1-based): chr16:89,740,009, G>C on the plus strand (C>G on the coding strand, the complement: FANCA is on the minus strand). VCF-style: chr16-89740009-G-C. GRCh37 (hg19) VCF-style: chr16-89806417-G-C.
Other names: c.3919C>G (NM_000135.3); c.3919C>G, p.Gln1307Glu (NM_001286167.3); c.*1763G>C (NM_001113525.2, NM_152287.4); short protein forms Q1307E.
Identifiers: ClinVar variation 1938943 (VCV001938943.7), dbSNP rs763626782, ClinGen allele CA397484926.
Genomic context (GRCh38, chr16:89,740,009, plus strand): 5'-AAAGAGCGGCCCTCCGCATTTGTGCCTCAGCAGCGTGTTTCTTACCACTCTCTGTCAACT[G>C]AAAGAGTGCCAGCCAGGATATCTTCCTCTTCTCTAAACACTCGAGGATTGCTGCACAAAC-3'
Protein context (NP_000126.2, residues 1297-1317): KRKISWLALF[Gln1307Glu]LTESDLRLGR